The following is an entry in ClinVar:

ClinVar aggregate classification (germline): Uncertain significance (1 of 4 stars; one submission).

Conditions:
Spastic paraplegia. Identifiers: MedGen C0037772, HP:0001258.

Submission:

Labcorp Genetics (formerly Invitae), Labcorp
Classification: Uncertain significance for Spastic paraplegia. Last evaluated: 2025-07-21. Review status: criteria provided, single submitter. Criteria: Invitae Variant Classification Sherloc (09022015). Collection method: clinical testing. Allele origin: germline.
Comment: This sequence change replaces glutamine, which is neutral and polar, with leucine, which is neutral and non-polar, at codon 892 of the GBA2 protein (p.Gln892Leu). This variant is not present in population databases (gnomAD no frequency). This variant has not been reported in the literature in individuals affected with GBA2-related conditions. ClinVar contains an entry for this variant (Variation ID: 1946849). Invitae Evidence Modeling of protein sequence and biophysical properties (such as structural, functional, and spatial information, amino acid conservation, physicochemical variation, residue mobility, and thermodynamic stability) indicates that this missense variant is not expected to disrupt GBA2 protein function with a negative predictive value of 80%. In summary, the available evidence is currently insufficient to determine the role of this variant in disease. Therefore, it has been classified as a Variant of Uncertain Significance.

NM_020944.3(GBA2):c.2675A>T (p.Gln892Leu)

Gene: GBA2 (glucosylceramidase beta 2; minus strand). Cytogenetic location: 9p13.3.
Variant type: single nucleotide variant.
Coding change: c.2675A>T on transcript NM_020944.3 (MANE Select); coding-DNA position 2675, A replaced by T.
Protein change: p.Gln892Leu; replaces glutamine 892 with leucine.
Molecular consequence: missense variant. On other transcripts: 3 prime UTR variant (1).
Genome position (GRCh38, 1-based): chr9:35,737,278, T>A on the plus strand (A>T on the coding strand, the complement: GBA2 is on the minus strand). VCF-style: chr9-35737278-T-A. GRCh37 (hg19) VCF-style: chr9-35737275-T-A.
Other names: c.*198A>T (NM_001330660.2); short protein forms Q892L.
Identifiers: ClinVar variation 1946849 (VCV001946849.5), dbSNP rs2490820383, ClinGen allele CA373400772.
Genomic context (GRCh38, chr9:35,737,278, plus strand): 5'-CCTGTCCTTAGTCCTGTGCCCTGTTTGACTTTTGGCCAGGAGGCCTTTTTGTGCTGCTGC[T>A]GTTGCAGGGCTAGCTGCATGGCCCATATGCTCAGTGGCCGCATGTAGGCCAGTGAGCGGA-3'
Protein context (NP_065995.1, residues 882-902): SIWAMQLALQ[Gln892Leu]QQHKKASWPK